The following is an entry in ClinVar:

NC_000002.11:g.(?_48065978)_(48132859_?)dup

Gene: FBXO11 (F-box protein 11; minus strand). Cytogenetic location: 2p16.3.
Variant type: Duplication.
Identifiers: ClinVar variation 2423948 (VCV002423948.4).

ClinVar aggregate classification (germline): Uncertain significance (1 of 4 stars; one submission).

Submission:

Labcorp Genetics (formerly Invitae), Labcorp
Classification: Uncertain significance. Last evaluated: 2022-08-24. Review status: criteria provided, single submitter. Criteria: Invitae Variant Classification Sherloc (09022015). Collection method: clinical testing. Allele origin: germline.
Comment: In summary, the available evidence is currently insufficient to determine the role of this variant in disease. Therefore, it has been classified as a Variant of Uncertain Significance. Experimental studies and prediction algorithms are not available or were not evaluated, and the functional significance of this variant is currently unknown. This variant has not been reported in the literature in individuals affected with FBXO11-related conditions. This variant results in a copy number gain of the genomic region encompassing exon(s) 1-4 of the FBXO11 gene. This region includes the initiator codon of the gene. This copy number gain extends beyond the assayed region for this gene and therefore may encompass additional genes. As the precise location of this event is unknown, it may be in tandem or it may be located elsewhere in the genome.